The following is an entry in ClinVar:

ClinVar aggregate classification (germline): Uncertain significance (1 of 4 stars; one submission).

gnomAD v4.1: 8 of 1,609,354 alleles (0.0005%); highest among the groups gnomAD compares: East Asian, 0.0045%; no homozygotes.

Submission:

Labcorp Genetics (formerly Invitae), Labcorp
Classification: Uncertain significance. Last evaluated: 2025-02-13. Review status: criteria provided, single submitter. Criteria: Invitae Variant Classification Sherloc (09022015). Collection method: clinical testing. Allele origin: germline.
Comment: This sequence change replaces phenylalanine, which is neutral and non-polar, with valine, which is neutral and non-polar, at codon 932 of the PPP1R12A protein (p.Phe932Val). This variant is not present in population databases (gnomAD no frequency). This variant has not been reported in the literature in individuals affected with PPP1R12A-related conditions. An algorithm developed to predict the effect of missense changes on protein structure and function (PolyPhen-2) suggests that this variant is likely to be tolerated. In summary, the available evidence is currently insufficient to determine the role of this variant in disease. Therefore, it has been classified as a Variant of Uncertain Significance.

NM_002480.3(PPP1R12A):c.2794T>G (p.Phe932Val)

Gene: PPP1R12A (protein phosphatase 1 regulatory subunit 12A; minus strand). Cytogenetic location: 12q21.2.
Variant type: single nucleotide variant.
Coding change: c.2794T>G on transcript NM_002480.3 (MANE Select); coding-DNA position 2794, T replaced by G.
Protein change: p.Phe932Val; replaces phenylalanine 932 with valine.
Molecular consequence: missense variant.
Genome position (GRCh38, 1-based): chr12:79,788,656, A>C on the plus strand (T>G on the coding strand, the complement: PPP1R12A is on the minus strand). VCF-style: chr12-79788656-A-C. GRCh37 (hg19) VCF-style: chr12-80182436-A-C.
Other names: c.2794T>G, p.Phe932Val (NM_001143885.2, NM_001244990.2); c.2533T>G, p.Phe845Val (NM_001143886.2); c.2626T>G, p.Phe876Val (NM_001244992.1); short protein forms F876V, F932V, F845V.
Identifiers: ClinVar variation 3676234 (VCV003676234.2).
Genomic context (GRCh38, chr12:79,788,656, plus strand): 5'-TCTCAACATAAAAGATAACTTTTTATTAAATATAACTAAATAACCCAAGTACCTTTTTAA[A>C]GTCAGTTGAGTCATCCTTTTCTAGCCTGCTGCTGTAAGGTTTTCTTTCTTCTAAGTAACT-3'
Protein context (NP_002471.1, residues 922-942): SRLEKDDSTD[Phe932Val]KKLYEQILAE